The following is an entry in ClinVar:

NM_022065.5(THADA):c.3221A>T (p.Gln1074Leu)

Gene: THADA (THADA armadillo repeat containing; minus strand). Cytogenetic location: 2p21.
Variant type: single nucleotide variant.
Coding change: c.3221A>T on transcript NM_022065.5 (MANE Select); coding-DNA position 3221, A replaced by T.
Protein change: p.Gln1074Leu; replaces glutamine 1074 with leucine.
Molecular consequence: missense variant. On other transcripts: non-coding transcript variant (2).
Genome position (GRCh38, 1-based): chr2:43,541,202, T>A on the plus strand (A>T on the coding strand, the complement: THADA is on the minus strand). VCF-style: chr2-43541202-T-A. GRCh37 (hg19) VCF-style: chr2-43768341-T-A.
Other names: c.3218A>T, p.Gln1073Leu (NM_001345923.2); c.3098A>T, p.Gln1033Leu (NM_001345924.2); c.3221A>T, p.Gln1074Leu (NM_001345925.2, NM_001083953.2); c.2351A>T, p.Gln784Leu (NM_198554.1); short protein forms Q784L, Q1033L, Q1074L, Q1073L.
Identifiers: ClinVar variation 2294211 (VCV002294211.4), dbSNP rs202099412, ClinGen allele CA1632681.

ClinVar aggregate classification (germline): Conflicting classifications of pathogenicity. Review status: criteria provided, conflicting classifications (1 of 4 stars). 2 submissions from 2 submitters: Uncertain significance (1); Likely benign (1). Last evaluated 2026-08-01.

Allele frequency attached by ClinVar (database versions not stated): ExAC 0.00004; gnomAD 0.00007; TOPMed 0.00008; ESP Exome Variant Server 0.00024.
gnomAD v4.1: 140 of 1,607,704 alleles (0.0087%); highest among the groups gnomAD compares: Non-Finnish European, 0.011%; no homozygotes.

Submissions (2):

CeGaT Center for Human Genetics Tuebingen
Classification: Likely benign. Last evaluated: 2026-08-01. Review status: criteria provided, single submitter. Criteria: CeGaT Center For Human Genetics Tuebingen Variant Classification Criteria Version 2. Collection method: clinical testing. Allele origin: germline. Affected: yes. Observed: 1 variant allele.
Comment: THADA: BP4

Ambry Genetics
Classification: Uncertain significance. Last evaluated: 2025-06-09. Review status: criteria provided, single submitter. Criteria: Ambry Variant Classification Scheme 2023. Collection method: clinical testing. Allele origin: germline.